The following is an entry in ClinVar:

ClinVar aggregate classification (germline): Uncertain significance (1 of 4 stars; one submission).

gnomAD v4.1: 8 of 1,613,008 alleles (0.0005%); highest among the groups gnomAD compares: Admixed American, 0.013%; no homozygotes.

Submission:

GeneDx
Classification: Uncertain significance. Last evaluated: 2025-06-12. Review status: criteria provided, single submitter. Criteria: GeneDx Variant Classification Process June 2021. Collection method: clinical testing. Allele origin: germline. Affected: yes.
Comment: In silico analysis supports that this missense variant has a deleterious effect on protein structure/function; Has not been previously published as pathogenic or benign to our knowledge

NM_002470.4(MYH3):c.2688C>G (p.Ser896Arg)

Gene: MYH3 (myosin heavy chain 3; minus strand). Cytogenetic location: 17p13.1.
Variant type: single nucleotide variant.
Coding change: c.2688C>G on transcript NM_002470.4 (MANE Select); coding-DNA position 2688, C replaced by G.
Protein change: p.Ser896Arg; replaces serine 896 with arginine.
Molecular consequence: missense variant.
Genome position (GRCh38, 1-based): chr17:10,639,797, G>C on the plus strand (C>G on the coding strand, the complement: MYH3 is on the minus strand). VCF-style: chr17-10639797-G-C. GRCh37 (hg19) VCF-style: chr17-10543114-G-C.
Other names: short protein forms S896R.
Identifiers: ClinVar variation 4538175 (VCV004538175.1).
Genomic context (GRCh38, chr17:10,639,797, plus strand): 5'-GAGCTGGAATTTGGCTTTGATCAGCTGATCGCATCTTTCCTCAGCATCCAACAAATTTTC[G>C]CTTTCCTTAAAAAAAAAAGAATAATAACTTCGTTGAATGATATAAGGTTTGCGACATTCC-3'
Protein context (NP_002461.2, residues 886-906): NDLQLQVQAE[Ser896Arg]ENLLDAEERC